The following is an entry in ClinVar:

NM_020975.6(RET):c.339C>A (p.Asn113Lys)

Gene: RET (ret proto-oncogene; plus strand). Cytogenetic location: 10q11.21.
Variant type: single nucleotide variant.
Coding change: c.339C>A on transcript NM_020975.6 (MANE Select); coding-DNA position 339, C replaced by A.
Protein change: p.Asn113Lys; replaces asparagine 113 with lysine.
Molecular consequence: missense variant. On other transcripts: intron variant (22).
Genome position (GRCh38, 1-based): chr10:43,102,343, C>A. VCF-style: chr10-43102343-C-A. GRCh37 (hg19) VCF-style: chr10-43597791-C-A.
Other names: c.339C>A, p.Asn113Lys (NM_000323.2, NM_001406743.1, NM_001406744.1 and 16 more transcripts); c.338-128C>A (NM_001406764.1, NM_001406762.1, NM_001406761.1 and 4 more transcripts); c.337+1621C>A (NM_001406770.1, NM_001406766.1, NM_001406767.1 and 8 more transcripts); c.74-6688C>A (NM_001406784.1); c.74-9756C>A (NM_001406794.1, NM_001406792.1, NM_001406793.1); short protein forms N113K.
Identifiers: ClinVar variation 2892746 (VCV002892746.3), dbSNP rs2132677375, ClinGen allele CA376770620.
Genomic context (GRCh38, chr10:43,102,343, plus strand): 5'-ATTCCCGACTGCCTGGCAGATGTGGCCGATGCCCCCACAGACCTGACTTCTCTCTGCAGA[C>A]CGCGGCTTTCCCCTGCTCACCGTCTACCTCAAGGTCTTCCTGTCACCCACATCCCTTCGT-3'
Protein context (NP_066124.1, residues 103-123): HSSWEKLSVR[Asn113Lys]RGFPLLTVYL

ClinVar aggregate classification (germline): Uncertain significance (1 of 4 stars; one submission).

Conditions:
Multiple endocrine neoplasia, type 2 (MEN2). Identifiers: Orphanet 653, MedGen C4048306, MONDO:0019003. Disease mechanism: gain of function.

Submission:

Labcorp Genetics (formerly Invitae), Labcorp
Classification: Uncertain significance for Multiple endocrine neoplasia, type 2. Last evaluated: 2023-11-04. Review status: criteria provided, single submitter. Criteria: Invitae Variant Classification Sherloc (09022015). Collection method: clinical testing. Allele origin: germline.
Comment: This sequence change replaces asparagine, which is neutral and polar, with lysine, which is basic and polar, at codon 113 of the RET protein (p.Asn113Lys). This variant is not present in population databases (gnomAD no frequency). This variant has not been reported in the literature in individuals affected with RET-related conditions. An algorithm developed to predict the effect of missense changes on protein structure and function (PolyPhen-2) suggests that this variant is likely to be disruptive. In summary, the available evidence is currently insufficient to determine the role of this variant in disease. Therefore, it has been classified as a Variant of Uncertain Significance.